The following is an entry in ClinVar:

NM_001127222.2(CACNA1A):c.4089G>A (p.Lys1363=)

Gene: CACNA1A (calcium voltage-gated channel subunit alpha1 A; minus strand). Cytogenetic location: 19p13.13.
Variant type: single nucleotide variant.
Coding change: c.4089G>A on transcript NM_001127222.2 (MANE Select); coding-DNA position 4089, G replaced by A.
Protein change: p.Lys1363=; no amino-acid change (lysine 1363 retained).
Molecular consequence: synonymous variant.
Genome position (GRCh38, 1-based): chr19:13,262,734, C>T on the plus strand (G>A on the coding strand, the complement: CACNA1A is on the minus strand). VCF-style: chr19-13262734-C-T. GRCh37 (hg19) VCF-style: chr19-13373548-C-T.
Other names: c.4101G>A, p.Lys1367= (NM_000068.4, NM_023035.3); c.4092G>A, p.Lys1364= (NM_001127221.2, NM_001174080.2).
Identifiers: ClinVar variation 4788487 (VCV004788487.1).

ClinVar aggregate classification (germline): Uncertain significance (1 of 4 stars; one submission).

Conditions:
Episodic ataxia type 2 (EA2). Also called: ACETAZOLAMIDE-RESPONSIVE HEREDITARY PAROXYSMAL CEREBELLAR ATAXIA; ATAXIA, EPISODIC, WITH NYSTAGMUS; ATAXIA, FAMILIAL PAROXYSMAL; CEREBELLAR ATAXIA, PAROXYSMAL, ACETAZOLAMIDE-RESPONSIVE; CEREBELLOPATHY, HEREDITARY PAROXYSMAL; EPISODIC ATAXIA, NYSTAGMUS-ASSOCIATED. Identifiers: Orphanet 97, MedGen C1720416, MONDO:0007163, OMIM 108500.
Developmental and epileptic encephalopathy, 42 (DEE42A). Also called: Epileptic encephalopathy, early infantile, 42; DEVELOPMENTAL AND EPILEPTIC ENCEPHALOPATHY 42A; EPILEPTIC ENCEPHALOPATHY, EARLY INFANTILE, 42A. Identifiers: MedGen C4310716, MONDO:0014917, OMIM 617106.

gnomAD v4.1: 4 of 1,605,204 alleles (0.00025%); highest among the groups gnomAD compares: Non-Finnish European, 0.00034%; no homozygotes.

Submission:

Labcorp Genetics (formerly Invitae), Labcorp
Classification: Uncertain significance for Developmental and epileptic encephalopathy, 42; Episodic ataxia type 2. Last evaluated: 2025-04-29. Review status: criteria provided, single submitter. Criteria: Invitae Variant Classification Sherloc (09022015). Collection method: clinical testing. Allele origin: germline.
Comment: This sequence change affects codon 1364 of the CACNA1A mRNA. It is a 'silent' change, meaning that it does not change the encoded amino acid sequence of the CACNA1A protein. This variant also falls at the last nucleotide of exon 25, which is part of the consensus splice site for this exon. This variant is not present in population databases (gnomAD no frequency). This variant has not been reported in the literature in individuals affected with CACNA1A-related conditions. Variants that disrupt the consensus splice site are a relatively common cause of aberrant splicing (PMID: 17576681, 9536098). Algorithms developed to predict the effect of sequence changes on RNA splicing suggest that this variant is not likely to affect RNA splicing. In summary, the available evidence is currently insufficient to determine the role of this variant in disease. Therefore, it has been classified as a Variant of Uncertain Significance.

Literature cited by the submitters: PubMed 17576681; PubMed 9536098.